The following is an entry in ClinVar:

NM_133459.4(CCBE1):c.500G>A (p.Arg167Gln)

Gene: CCBE1 (collagen and calcium binding EGF domains 1; minus strand). Cytogenetic location: 18q21.32.
Variant type: single nucleotide variant.
Coding change: c.500G>A on transcript NM_133459.4 (MANE Select); coding-DNA position 500, G replaced by A.
Protein change: p.Arg167Gln; replaces arginine 167 with glutamine.
Molecular consequence: missense variant.
Genome position (GRCh38, 1-based): chr18:59,466,792, C>T on the plus strand (G>A on the coding strand, the complement: CCBE1 is on the minus strand). VCF-style: chr18-59466792-C-T. GRCh37 (hg19) VCF-style: chr18-57134024-C-T.
Other names: c.500G>A (NM_133459.3); short protein forms R167Q.
Identifiers: ClinVar variation 1415340 (VCV001415340.8), dbSNP rs368065685, ClinGen allele CA8980475.

ClinVar aggregate classification (germline): Conflicting classifications of pathogenicity. Review status: criteria provided, conflicting classifications (1 of 4 stars). 2 submissions from 2 submitters: Uncertain significance (1); Likely benign (1). Last evaluated 2024-08-20.

Conditions:
Inborn genetic diseases. Identifiers: MedGen C0950123, MeSH D030342.

Allele frequency attached by ClinVar (database versions not stated): gnomAD exomes 0.00002 and 0.00003; gnomAD 0.00003 and 0.00004; TOPMed 0.00003; ExAC 0.00004; ESP Exome Variant Server 0.00008.
gnomAD v4.1: 36 of 1,613,596 alleles (0.0022%); highest among the groups gnomAD compares: Middle Eastern, 0.034%; no homozygotes.

Submissions (2):

Ambry Genetics
Classification: Likely benign for Inborn genetic diseases. Last evaluated: 2024-08-20. Review status: criteria provided, single submitter. Criteria: Ambry Variant Classification Scheme 2023. Collection method: clinical testing. Allele origin: germline.

Labcorp Genetics (formerly Invitae), Labcorp
Classification: Uncertain significance. Last evaluated: 2023-05-05. Review status: criteria provided, single submitter. Criteria: Invitae Variant Classification Sherloc (09022015). Collection method: clinical testing. Allele origin: germline.
Comment: In summary, the available evidence is currently insufficient to determine the role of this variant in disease. Therefore, it has been classified as a Variant of Uncertain Significance. Advanced modeling of protein sequence and biophysical properties (such as structural, functional, and spatial information, amino acid conservation, physicochemical variation, residue mobility, and thermodynamic stability) performed at Invitae indicates that this missense variant is not expected to disrupt CCBE1 protein function. ClinVar contains an entry for this variant (Variation ID: 1415340). This variant has not been reported in the literature in individuals affected with CCBE1-related conditions. This variant is present in population databases (rs368065685, gnomAD 0.01%). This sequence change replaces arginine, which is basic and polar, with glutamine, which is neutral and polar, at codon 167 of the CCBE1 protein (p.Arg167Gln).